The following is an entry in ClinVar:

ClinVar aggregate classification (germline): Pathogenic (1 of 4 stars; one submission).

Conditions:
Galactosylceramide beta-galactosidase deficiency. Also called: GALACTOCEREBROSIDASE DEFICIENCY; GALC DEFICIENCY; GLOBOID CELL LEUKOENCEPHALOPATHY; Krabbe Disease; Leukodystrophy, Globoid Cell. Identifiers: Orphanet 487, MedGen C0023521, MONDO:0009499, OMIM 245200.

Submission:

Labcorp Genetics (formerly Invitae), Labcorp
Classification: Pathogenic for Galactosylceramide beta-galactosidase deficiency. Last evaluated: 2020-03-18. Review status: criteria provided, single submitter. Criteria: Invitae Variant Classification Sherloc (09022015). Collection method: clinical testing. Allele origin: germline.
Comment: This variant is not present in population databases (ExAC no frequency). This variant has not been reported in the literature in individuals with GALC-related conditions. Loss-of-function variants in GALC are known to be pathogenic (PMID: 7437911, 9272171, 16607461). For these reasons, this variant has been classified as Pathogenic. This sequence change creates a premature translational stop signal (p.Gly111Alafs*11) in the GALC gene. It is expected to result in an absent or disrupted protein product.

Literature cited by the submitters: PubMed 7437911; PubMed 9272171; PubMed 16607461.

NM_000153.4(GALC):c.332del (p.Gly111fs)

Gene: GALC (galactosylceramidase; minus strand). Cytogenetic location: 14q31.3.
Variant type: Deletion.
Coding change: c.332del on transcript NM_000153.4 (MANE Select); coding-DNA position 332, one base deleted (G; older notation c.332delG).
Protein change: p.Gly111fs; shifts the reading frame from glycine 111.
Molecular consequence: frameshift variant.
Genome position (GRCh38, 1-based): chr14:87,986,599, C deleted on the plus strand (G on the coding strand, the reverse complement: GALC is on the minus strand); the first of 2 consecutive C bases (chr14:87,986,599-87,986,600); deleting either gives the same sequence. VCF-style (leftmost placement, unchanged base first): chr14-87986598-GC-G. GRCh37 (hg19) VCF-style: chr14-88452942-GC-G.
Other names: c.263del, p.Gly88fs (NM_001201401.2); c.254del, p.Gly85fs (NM_001201402.2); short protein forms G111fs, G85fs, G88fs.
Identifiers: ClinVar variation 1074616 (VCV001074616.7), dbSNP rs2139755093, ClinGen allele CA2499222774.
Genomic context (GRCh38, chr14:87,986,598, plus strand): 5'-CCACTCGTATCCTCGGAAATAATTCTCATCTAGTGCATAATGCATGTGGGAGGGCTCAGT[GC>G]CGTCTGAATAGAGGAGAGCAAAAACGGAAGTAATGATCCATGAATGGTACTTCCTAGGAC-3'